The following is an entry in ClinVar:

NM_002386.4(MC1R):c.406G>T (p.Gly136Cys)

Gene: MC1R (melanocortin 1 receptor; plus strand). Cytogenetic location: 16q24.3.
Variant type: single nucleotide variant.
Coding change: c.406G>T on transcript NM_002386.4 (MANE Select); coding-DNA position 406, G replaced by T.
Protein change: p.Gly136Cys; replaces glycine 136 with cysteine.
Molecular consequence: missense variant.
Genome position (GRCh38, 1-based): chr16:89,919,664, G>T. VCF-style: chr16-89919664-G-T. GRCh37 (hg19) VCF-style: chr16-89986072-G-T.
Other names: short protein forms G136C.
Identifiers: ClinVar variation 1434896 (VCV001434896.8), dbSNP rs1209087043, ClinGen allele CA397460619.

ClinVar aggregate classification (germline): Uncertain significance (1 of 4 stars; one submission).

Conditions:
Melanoma, cutaneous malignant, susceptibility to, 5. Also called: Cutaneous malignant melanoma 5. Identifiers: Orphanet 618, MedGen C2751295, MONDO:0013133, OMIM 613099.

Allele frequency attached by ClinVar (database versions not stated): gnomAD exomes 0.00001 and 0.00002.
gnomAD v4.1: 21 of 1,606,346 alleles (0.0013%); highest among the groups gnomAD compares: Non-Finnish European, 0.0018%; no homozygotes.

Submission:

Labcorp Genetics (formerly Invitae), Labcorp
Classification: Uncertain significance for Melanoma, cutaneous malignant, susceptibility to, 5. Last evaluated: 2024-04-17. Review status: criteria provided, single submitter. Criteria: Invitae Variant Classification Sherloc (09022015). Collection method: clinical testing. Allele origin: germline.
Comment: This sequence change replaces glycine, which is neutral and non-polar, with cysteine, which is neutral and slightly polar, at codon 136 of the MC1R protein (p.Gly136Cys). This variant is present in population databases (no rsID available, gnomAD 0.002%). This variant has not been reported in the literature in individuals affected with MC1R-related conditions. ClinVar contains an entry for this variant (Variation ID: 1434896). Advanced modeling of protein sequence and biophysical properties (such as structural, functional, and spatial information, amino acid conservation, physicochemical variation, residue mobility, and thermodynamic stability) performed at Invitae indicates that this missense variant is not expected to disrupt MC1R protein function with a negative predictive value of 80%. In summary, the available evidence is currently insufficient to determine the role of this variant in disease. Therefore, it has been classified as a Variant of Uncertain Significance.